The following is an entry in ClinVar:

NM_145886.4(PIDD1):c.2393G>A (p.Arg798His)

Gene: PIDD1 (p53-induced death domain protein 1; minus strand). Cytogenetic location: 11p15.5.
Variant type: single nucleotide variant.
Coding change: c.2393G>A on transcript NM_145886.4 (MANE Select); coding-DNA position 2393, G replaced by A.
Protein change: p.Arg798His; replaces arginine 798 with histidine.
Molecular consequence: missense variant.
Genome position (GRCh38, 1-based): chr11:799,896, C>T on the plus strand (G>A on the coding strand, the complement: PIDD1 is on the minus strand). VCF-style: chr11-799896-C-T. GRCh37 (hg19) VCF-style: chr11-799896-C-T.
Other names: c.2342G>A, p.Arg781His (NM_145887.4); short protein forms R781H, R798H.
Identifiers: ClinVar variation 3377545 (VCV003377545.1).

ClinVar aggregate classification (germline): Uncertain significance (1 of 4 stars; one submission).

Conditions:
Intellectual developmental disorder, autosomal recessive 75, with neuropsychiatric features and variant lissencephaly (MRT75). Identifiers: MedGen C5676961, MONDO:0030785, OMIM 619827.

gnomAD v4.1: 49 of 1,612,088 alleles (0.003%); highest among the groups gnomAD compares: Middle Eastern, 0.016%; no homozygotes.

Submission:

Neuberg Centre For Genomic Medicine, NCGM
Classification: Uncertain significance for Intellectual developmental disorder, autosomal recessive 75, with neuropsychiatric features and variant lissencephaly. Last evaluated: 2023-06-22. Review status: criteria provided, single submitter. Criteria: ACMG Guidelines, 2015. Collection method: clinical testing. Allele origin: germline. Inheritance: Autosomal recessive inheritance. Affected: yes.
Comment: The observed missense c.2393G>A (p.Arg798His) variant in PIDD1 gene has not been reported previously as a pathogenic variant nor as a benign variant, to our knowledge. The p.Arg798His variant is present with allele frequency of 0.005% in gnomAD Exomes. This variant has not been submitted to the ClinVar database. Multiple lines of computational evidence (Polyphen - Probably Damaging, SIFT - Damaging and MutationTaster - Disease causing) predict a damaging effect on protein structure and function for this variant. The reference amino acid of p.Arg798His in PIDD1 is predicted as conserved by GERP++ and PhyloP across 100 vertebrates. The amino acid Arg at position 798 is changed to a His changing protein sequence and it might alter its composition and physico-chemical properties. For these reasons, this variant has been classified as a Variant of Uncertain Significance (VUS).